The following is an entry in ClinVar:

NM_021813.4(BACH2):c.1669C>A (p.Leu557Ile)

Gene: BACH2 (BACH transcriptional regulator 2; minus strand). Cytogenetic location: 6q15.
Variant type: single nucleotide variant.
Coding change: c.1669C>A on transcript NM_021813.4 (MANE Select); coding-DNA position 1669, C replaced by A.
Protein change: p.Leu557Ile; replaces leucine 557 with isoleucine.
Molecular consequence: missense variant.
Genome position (GRCh38, 1-based): chr6:89,950,437, G>T on the plus strand (C>A on the coding strand, the complement: BACH2 is on the minus strand). VCF-style: chr6-89950437-G-T. GRCh37 (hg19) VCF-style: chr6-90660156-G-T.
Other names: c.1669C>A, p.Leu557Ile (NM_001170794.2); short protein forms L557I.
Identifiers: ClinVar variation 2751979 (VCV002751979.3), dbSNP rs2533564680, ClinGen allele CA365070347.
Genomic context (GRCh38, chr6:89,950,437, plus strand): 5'-GCCGCACTTGGTTGTACATTCCATCTCCCATCAGGCCTGGTTCCTGATGTTCTGTGGCAA[G>T]GAATCTGGCTCCCTGGGAACAGGGCGAGGAGGAGAACTCACAGAGAGGGAGGCTGCAGGG-3'
Protein context (NP_068585.1, residues 547-567): SSPCSQGARF[Leu557Ile]ATEHQEPGLM

ClinVar aggregate classification (germline): Uncertain significance (1 of 4 stars; one submission).

Submission:

Labcorp Genetics (formerly Invitae), Labcorp
Classification: Uncertain significance. Last evaluated: 2023-08-11. Review status: criteria provided, single submitter. Criteria: Invitae Variant Classification Sherloc (09022015). Collection method: clinical testing. Allele origin: germline.
Comment: In summary, the available evidence is currently insufficient to determine the role of this variant in disease. Therefore, it has been classified as a Variant of Uncertain Significance. Advanced modeling of protein sequence and biophysical properties (such as structural, functional, and spatial information, amino acid conservation, physicochemical variation, residue mobility, and thermodynamic stability) has been performed at Invitae for this missense variant, however the output from this modeling did not meet the statistical confidence thresholds required to predict the impact of this variant on BACH2 protein function. This variant has not been reported in the literature in individuals affected with BACH2-related conditions. This variant is not present in population databases (gnomAD no frequency). This sequence change replaces leucine, which is neutral and non-polar, with isoleucine, which is neutral and non-polar, at codon 557 of the BACH2 protein (p.Leu557Ile).